The following is an entry in ClinVar:

ClinVar aggregate classification (germline): Uncertain significance (1 of 4 stars; one submission).

Conditions:
Glycogen storage disease due to muscle and heart glycogen synthase deficiency. Also called: GSD 0b; MUSCLE GLYCOGEN SYNTHASE DEFICIENCY. Identifiers: Orphanet 137625, MedGen C1969054, MONDO:0012693, OMIM 611556.

Submission:

Labcorp Genetics (formerly Invitae), Labcorp
Classification: Uncertain significance for Glycogen storage disease due to muscle and heart glycogen synthase deficiency. Last evaluated: 2025-12-09. Review status: criteria provided, single submitter. Criteria: Invitae Variant Classification Sherloc (09022015). Collection method: clinical testing. Allele origin: germline.
Comment: This sequence change replaces glutamine, which is neutral and polar, with lysine, which is basic and polar, at codon 360 of the GYS1 protein (p.Gln360Lys). Information on the frequency of this variant in the gnomAD database is not available, as this variant may be reported differently in the database. This variant has not been reported in the literature in individuals affected with GYS1-related conditions. ClinVar contains an entry for this variant (Variation ID: 858591). Experimental studies and prediction algorithms are not available or were not evaluated, and the functional significance of this variant is currently unknown. In summary, the available evidence is currently insufficient to determine the role of this variant in disease. Therefore, it has been classified as a Variant of Uncertain Significance.

NM_002103.5(GYS1):c.1077_1078delinsAA (p.Gln360Lys)

Gene: GYS1 (glycogen synthase 1; minus strand). Cytogenetic location: 19q13.33.
Variant type: Indel.
Coding change: c.1077_1078delinsAA on transcript NM_002103.5 (MANE Select); coding-DNA positions 1077 to 1078, GC replaced by AA.
Protein change: p.Gln360Lys; replaces glutamine 360 with lysine.
Molecular consequence: missense variant. On other transcripts: non-coding transcript variant (1).
Genome position (GRCh38, 1-based): chr19:48,981,621-48,981,622, GC replaced by TT on the plus strand (GC replaced by AA on the coding strand, the reverse complement: GYS1 is on the minus strand). VCF-style: chr19-48981621-GC-TT. GRCh37 (hg19) VCF-style: chr19-49484878-GC-TT.
Other names: c.885_886delinsAA, p.Gln296Lys (NM_001161587.2); short protein forms Q360K, Q296K.
Identifiers: ClinVar variation 858591 (VCV000858591.8), dbSNP rs2038765010, ClinGen allele CA916083708.
Genomic context (GRCh38, chr19:48,981,621, plus strand): 5'-GGGTTTCCACGTTGAAATTGTTGGTCCGCGCTGGCATGATGAAGAAGGCAACCACTGTCT[GC>TT]TCGCTGCCGTTCACCTGCGCAGAAAGAAAGGAGGGGGAGGCCAGGATCATGTGGGGGAAG-3'
Protein context (NP_002094.2, residues 350-370): NYLLRVNGSE[Gln360Lys]TVVAFFIMPA